The following is an entry in ClinVar:

ClinVar aggregate classification (germline): Uncertain significance (1 of 4 stars; one submission).

Submission:

Ambry Genetics
Classification: Uncertain significance. Last evaluated: 2025-07-25. Review status: criteria provided, single submitter. Criteria: Ambry Variant Classification Scheme 2023. Collection method: clinical testing. Allele origin: germline.
Comment: The p.Y1767H variant (also known as c.5299T>C), located in coding exon 22 of the WNK2 gene, results from a T to C substitution at nucleotide position 5299. The tyrosine at codon 1767 is replaced by histidine, an amino acid with similar properties. This amino acid position is conserved. In addition, the in silico prediction for this alteration is inconclusive. Based on the available evidence, the clinical significance of this variant remains unclear.

NM_006648.4(WNK2):c.5299T>C (p.Tyr1767His)

Gene: WNK2 (WNK lysine deficient protein kinase 2; plus strand). Cytogenetic location: 9q22.31.
Variant type: single nucleotide variant.
Coding change: c.5299T>C on transcript NM_006648.4 (MANE Select); coding-DNA position 5299, T replaced by C.
Protein change: p.Tyr1767His; replaces tyrosine 1767 with histidine.
Molecular consequence: missense variant.
Genome position (GRCh38, 1-based): chr9:93,292,764, T>C. VCF-style: chr9-93292764-T-C. GRCh37 (hg19) VCF-style: chr9-96055046-T-C.
Other names: c.5410T>C, p.Tyr1804His (NM_001282394.3); short protein forms Y1767H, Y1804H.
Identifiers: ClinVar variation 4201659 (VCV004201659.1).